The following is an entry in ClinVar:

NM_001042492.3(NF1):c.758T>A (p.Val253Glu)

Gene: NF1 (neurofibromin 1; plus strand). Cytogenetic location: 17q11.2.
Variant type: single nucleotide variant.
Coding change: c.758T>A on transcript NM_001042492.3 (MANE Select); coding-DNA position 758, T replaced by A.
Protein change: p.Val253Glu; replaces valine 253 with glutamic acid.
Molecular consequence: missense variant.
Genome position (GRCh38, 1-based): chr17:31,182,535, T>A. VCF-style: chr17-31182535-T-A. GRCh37 (hg19) VCF-style: chr17-29509553-T-A.
Other names: c.758T>A, p.Val253Glu (NM_000267.4, NM_001128147.3); short protein forms V253E.
Identifiers: ClinVar variation 842322 (VCV000842322.8), dbSNP rs2066156105, ClinGen allele CA398990654.

ClinVar aggregate classification (germline): Uncertain significance (1 of 4 stars; one submission).

Conditions:
Neurofibromatosis, type 1 (NF1). Also called: Peripheral type neurofibromatosis; VON RECKLINGHAUSEN DISEASE; Neurofibromatosis, type I; NEUROFIBROMATOSIS, TYPE I, SOMATIC. Identifiers: Orphanet 636, MedGen C0027831, MONDO:0018975, OMIM 162200. Disease mechanism: loss of function.

Submission:

Labcorp Genetics (formerly Invitae), Labcorp
Classification: Uncertain significance for Neurofibromatosis, type 1. Last evaluated: 2023-11-11. Review status: criteria provided, single submitter. Criteria: Invitae Variant Classification Sherloc (09022015). Collection method: clinical testing. Allele origin: germline.
Comment: This sequence change replaces valine, which is neutral and non-polar, with glutamic acid, which is acidic and polar, at codon 253 of the NF1 protein (p.Val253Glu). This variant is not present in population databases (gnomAD no frequency). This variant has not been reported in the literature in individuals affected with NF1-related conditions. ClinVar contains an entry for this variant (Variation ID: 842322). Advanced modeling of protein sequence and biophysical properties (such as structural, functional, and spatial information, amino acid conservation, physicochemical variation, residue mobility, and thermodynamic stability) performed at Invitae indicates that this missense variant is expected to disrupt NF1 protein function with a positive predictive value of 95%. In summary, the available evidence is currently insufficient to determine the role of this variant in disease. Therefore, it has been classified as a Variant of Uncertain Significance.